The following is an entry in ClinVar:

ClinVar aggregate classification (germline): Uncertain significance. Review status: criteria provided, multiple submitters, no conflicts (2 of 4 stars). 2 submissions from 2 submitters: Uncertain significance (2). Last evaluated 2025-11-26.

Allele frequency attached by ClinVar (database versions not stated): TOPMed 0.00005; gnomAD 0.00006; gnomAD exomes 0.00008; ESP Exome Variant Server 0.00009; ExAC 0.00031.
gnomAD v4.1: 91 of 1,181,373 alleles (0.0077%); highest among the groups gnomAD compares: East Asian, 0.012%; no homozygotes.

Submissions (2):

Ambry Genetics
Classification: Uncertain significance. Last evaluated: 2025-11-26. Review status: criteria provided, single submitter. Criteria: Ambry Variant Classification Scheme 2023. Collection method: clinical testing. Allele origin: germline.

Labcorp Genetics (formerly Invitae), Labcorp
Classification: Uncertain significance. Last evaluated: 2025-09-29. Review status: criteria provided, single submitter. Criteria: Invitae Variant Classification Sherloc (09022015). Collection method: clinical testing. Allele origin: germline.
Comment: This sequence change replaces leucine, which is neutral and non-polar, with isoleucine, which is neutral and non-polar, at codon 65 of the LAGE3 protein (p.Leu65Ile). This variant is present in population databases (rs199499929, gnomAD 0.04%), and has an allele count higher than expected for a pathogenic variant. This variant has not been reported in the literature in individuals affected with LAGE3-related conditions. ClinVar contains an entry for this variant (Variation ID: 2272791). An algorithm developed to predict the effect of missense changes on protein structure and function (PolyPhen-2) suggests that this variant is likely to be disruptive. In summary, the available evidence is currently insufficient to determine the role of this variant in disease. Therefore, it has been classified as a Variant of Uncertain Significance.

NM_006014.5(LAGE3):c.193C>A (p.Leu65Ile)

Gene: LAGE3 (L antigen family member 3; minus strand). Cytogenetic location: Xq28.
Variant type: single nucleotide variant.
Coding change: c.193C>A on transcript NM_006014.5 (MANE Select); coding-DNA position 193, C replaced by A.
Protein change: p.Leu65Ile; replaces leucine 65 with isoleucine.
Molecular consequence: missense variant.
Genome position (GRCh38, 1-based): chrX:154,478,407, G>T on the plus strand (C>A on the coding strand, the complement: LAGE3 is on the minus strand). VCF-style: chrX-154478407-G-T. GRCh37 (hg19) VCF-style: chrX-153706746-G-T.
Other names: short protein forms L65I.
Identifiers: ClinVar variation 2272791 (VCV002272791.4), dbSNP rs199499929, ClinGen allele CA10565241.
Genomic context (GRCh38, chrX:154,478,407, plus strand): 5'-CTGGTGCCAGGGACCCATGGGCGATTTCCGCCTCCAAGGGGGTCGGGAAAGGCACGCTGA[G>T]GGTGCTGGGGGTCATTCGGTTAAGGTGCCATCTGATACGATCTTGCCTATGTCTCAGGCC-3'
Protein context (NP_006005.2, residues 55-75): GSRMRPHIFT[Leu65Ile]SVPFPTPLEA